The following is an entry in ClinVar:

ClinVar aggregate classification (germline): Uncertain significance (1 of 4 stars; one submission).

Conditions:
Joubert syndrome 21 (JBTS21). Identifiers: MedGen C3810212, MONDO:0014288, OMIM 615636.

Allele frequency attached by ClinVar (database versions not stated): TOPMed below 0.00001; ExAC 0.00001; gnomAD exomes 0.00001 and 0.00002.
gnomAD v4.1: 21 of 1,567,600 alleles (0.0013%); highest among the groups gnomAD compares: Non-Finnish European, 0.0017%; no homozygotes.

Submission:

Labcorp Genetics (formerly Invitae), Labcorp
Classification: Uncertain significance for Joubert syndrome 21. Last evaluated: 2022-07-06. Review status: criteria provided, single submitter. Criteria: Invitae Variant Classification Sherloc (09022015). Collection method: clinical testing. Allele origin: germline.
Comment: This sequence change replaces lysine, which is basic and polar, with glutamine, which is neutral and polar, at codon 177 of the CSPP1 protein (p.Lys177Gln). This variant is present in population databases (rs772650396, gnomAD 0.002%). This variant has not been reported in the literature in individuals affected with CSPP1-related conditions. ClinVar contains an entry for this variant (Variation ID: 1523309). Algorithms developed to predict the effect of missense changes on protein structure and function are either unavailable or do not agree on the potential impact of this missense change (SIFT: "Deleterious"; PolyPhen-2: "Possibly Damaging"; Align-GVGD: "Class C0"). In summary, the available evidence is currently insufficient to determine the role of this variant in disease. Therefore, it has been classified as a Variant of Uncertain Significance.

NM_001382391.1(CSPP1):c.502A>C (p.Lys168Gln)

Gene: CSPP1 (centrosome and spindle pole associated protein 1; plus strand). Cytogenetic location: 8q13.1.
Variant type: single nucleotide variant.
Coding change: c.502A>C on transcript NM_001382391.1 (MANE Select); coding-DNA position 502, A replaced by C.
Protein change: p.Lys168Gln; replaces lysine 168 with glutamine.
Molecular consequence: missense variant. On other transcripts: 5 prime UTR variant (1).
Genome position (GRCh38, 1-based): chr8:67,095,311, A>C. VCF-style: chr8-67095311-A-C. GRCh37 (hg19) VCF-style: chr8-68007546-A-C.
Other names: c.-354A>C (NM_001291339.2); c.421A>C, p.Lys141Gln (NM_001363131.2, NM_001363133.2); c.502A>C, p.Lys168Gln (NM_001363132.2); c.610A>C, p.Lys204Gln (NM_001364869.1); c.529A>C, p.Lys177Gln (NM_001364870.1, NM_024790.7); short protein forms K141Q, K177Q, K168Q, K204Q.
Identifiers: ClinVar variation 1523309 (VCV001523309.6), dbSNP rs772650396, ClinGen allele CA4770312.